The following is an entry in ClinVar:

NM_004656.4(BAP1):c.1937A>T (p.Tyr646Phe)

Gene: BAP1 (BRCA1 associated deubiquitinase 1; minus strand). Cytogenetic location: 3p21.1.
Variant type: single nucleotide variant.
Coding change: c.1937A>T on transcript NM_004656.4 (MANE Select); coding-DNA position 1937, A replaced by T.
Protein change: p.Tyr646Phe; replaces tyrosine 646 with phenylalanine.
Molecular consequence: missense variant.
Genome position (GRCh38, 1-based): chr3:52,402,825, T>A on the plus strand (A>T on the coding strand, the complement: BAP1 is on the minus strand). VCF-style: chr3-52402825-T-A. GRCh37 (hg19) VCF-style: chr3-52436841-T-A.
Other names: short protein forms Y646F.
Identifiers: ClinVar variation 964577 (VCV000964577.10), dbSNP rs1377099523, ClinGen allele CA353096687.

ClinVar aggregate classification (germline): Uncertain significance. Review status: criteria provided, multiple submitters, no conflicts (2 of 4 stars). 2 submissions from 2 submitters: Uncertain significance (2). Last evaluated 2024-03-06.

Conditions:
Hereditary cancer-predisposing syndrome. Also called: Tumor predisposition; Hereditary neoplastic syndrome; Hereditary Cancer Syndrome; Neoplastic Syndromes, Hereditary. Identifiers: Orphanet 140162, MedGen C0027672, MeSH D009386, MONDO:0015356.
BAP1-related tumor predisposition syndrome (TPDS1). Also called: Tumor susceptibility linked to germline BAP1 mutations; COMMON Syndrome; TUMOR PREDISPOSITION SYNDROME 1; BAP1 tumor predisposition syndrome. Identifiers: Orphanet 289539, MedGen C3280492, MONDO:0013692, OMIM 614327.

Submissions (2):

Color Diagnostics, LLC DBA Color Health
Classification: Uncertain significance for Hereditary cancer-predisposing syndrome. Last evaluated: 2024-03-06. Review status: criteria provided, single submitter. Criteria: ACMG Guidelines, 2015. Collection method: clinical testing. Allele origin: germline.
Comment: This missense variant replaces tyrosine with phenylalanine at codon 646 of the BAP1 protein. Computational prediction suggests that this variant may not impact protein structure and function (internally defined REVEL score threshold <= 0.5, PMID: 27666373). To our knowledge, functional studies have not been reported for this variant. This variant has not been reported in individuals affected with hereditary cancer in the literature. This variant has not been identified in the general population by the Genome Aggregation Database (gnomAD). The available evidence is insufficient to determine the role of this variant in disease conclusively. Therefore, this variant is classified as a Variant of Uncertain Significance.

Labcorp Genetics (formerly Invitae), Labcorp
Classification: Uncertain significance for BAP1-related tumor predisposition syndrome. Last evaluated: 2022-06-03. Review status: criteria provided, single submitter. Criteria: Invitae Variant Classification Sherloc (09022015). Collection method: clinical testing. Allele origin: germline.
Comment: This variant has not been reported in the literature in individuals affected with BAP1-related conditions. This variant is not present in population databases (gnomAD no frequency). This sequence change replaces tyrosine, which is neutral and polar, with phenylalanine, which is neutral and non-polar, at codon 646 of the BAP1 protein (p.Tyr646Phe). ClinVar contains an entry for this variant (Variation ID: 964577). In summary, the available evidence is currently insufficient to determine the role of this variant in disease. Therefore, it has been classified as a Variant of Uncertain Significance. Algorithms developed to predict the effect of missense changes on protein structure and function are either unavailable or do not agree on the potential impact of this missense change (SIFT: "Tolerated"; PolyPhen-2: "Possibly Damaging"; Align-GVGD: "Class C0").